The following is an entry in ClinVar:

NM_054027.6(ANKH):c.963A>G (p.Ala321=)

Gene: ANKH (ANKH inorganic pyrophosphate transport regulator; minus strand). Cytogenetic location: 5p15.2.
Variant type: single nucleotide variant.
Coding change: c.963A>G on transcript NM_054027.6 (MANE Select); coding-DNA position 963, A replaced by G.
Protein change: p.Ala321=; no amino-acid change (alanine 321 retained).
Molecular consequence: synonymous variant.
Genome position (GRCh38, 1-based): chr5:14,741,875, T>C on the plus strand (A>G on the coding strand, the complement: ANKH is on the minus strand). VCF-style: chr5-14741875-T-C. GRCh37 (hg19) VCF-style: chr5-14741984-T-C.
Identifiers: ClinVar variation 351512 (VCV000351512.17), dbSNP rs2288474, ClinGen allele CA3208968.

ClinVar aggregate classification (germline): Benign. Review status: criteria provided, multiple submitters, no conflicts (2 of 4 stars). 7 submissions from 6 submitters: Benign (7). Last evaluated 2026-02-02.

Conditions:
Chondrocalcinosis 2. Also called: CALCIUM GOUT; CALCIUM PYROPHOSPHATE ARTHROPATHY; Familial calcium pyrophosphate deposition. Identifiers: Orphanet 1416, MedGen C0856830, MONDO:0007319, OMIM 118600.
Craniometaphyseal dysplasia, autosomal dominant (CMDD). Identifiers: Orphanet 1522, MedGen C1852502, MONDO:0007397, OMIM 123000.

Allele frequency attached by ClinVar (database versions not stated): ESP Exome Variant Server 0.05828; gnomAD 0.06312 and 0.06365; ExAC 0.06719; gnomAD exomes 0.07044 and 0.05168; TOPMed 0.07246; 1000 Genomes Project 0.08387; 1000 Genomes Project 30x 0.08557.
gnomAD v4.1: 85,159 of 1,613,956 alleles (5.3%); highest among the groups gnomAD compares: Admixed American, 16%; 3,130 homozygotes.

Submissions (7):

Labcorp Genetics (formerly Invitae), Labcorp
Classification: Benign. Last evaluated: 2026-02-02. Review status: criteria provided, single submitter. Criteria: Invitae Variant Classification Sherloc (09022015). Collection method: clinical testing. Allele origin: germline.

Blueprint Genetics
Classification: Benign. Last evaluated: 2024-11-26. Review status: criteria provided, single submitter. Criteria: ACMG Guidelines, 2015. Collection method: clinical testing. Allele origin: germline.

Genome-Nilou Lab
Classification: Benign for Craniometaphyseal dysplasia, autosomal dominant. Last evaluated: 2021-12-05. Review status: criteria provided, single submitter. Criteria: ACMG Guidelines, 2015. Collection method: clinical testing. Allele origin: germline. Affected: no.

GeneDx
Classification: Benign. Last evaluated: 2018-11-05. Review status: criteria provided, single submitter. Criteria: GeneDx Variant Classification Process June 2021. Collection method: clinical testing. Allele origin: germline. Affected: yes.

Illumina Laboratory Services, Illumina
Classification: Benign for Chondrocalcinosis 2. Last evaluated: 2018-01-13. Review status: criteria provided, single submitter. Criteria: ICSL Variant Classification Criteria 13 December 2019. Collection method: clinical testing. Allele origin: germline.
Comment: This variant was observed in the ICSL laboratory as part of a predisposition screen in an ostensibly healthy population. It had not been previously curated by ICSL or reported in the Human Gene Mutation Database (HGMD: prior to June 1st, 2018), and was therefore a candidate for classification through an automated scoring system. Utilizing variant allele frequency, disease prevalence and penetrance estimates, and inheritance mode, an automated score was calculated to assess if this variant is too frequent to cause the disease. Based on the score and internal cut-off values, a variant classified as benign is not then subjected to further curation. The score for this variant resulted in a classification of benign for this disease.

Illumina Laboratory Services, Illumina
Classification: Benign for Craniometaphyseal dysplasia, autosomal dominant. Last evaluated: 2018-01-13. Review status: criteria provided, single submitter. Criteria: ICSL Variant Classification Criteria 13 December 2019. Collection method: clinical testing. Allele origin: germline.
Comment: the same text as in the submission from Illumina Laboratory Services, Illumina above.

Breakthrough Genomics
Classification: Benign. Review status: criteria provided, single submitter. Criteria: ACMG Guidelines, 2015. Collection method: not provided. Allele origin: germline. Inheritance: Autosomal dominant inheritance. Affected: yes.